The following is an entry in ClinVar:

NM_000038.6(APC):c.1313-11T>C

Gene: APC (APC regulator of WNT signaling pathway; plus strand). Cytogenetic location: 5q22.2.
Variant type: single nucleotide variant.
Coding change: c.1313-11T>C on transcript NM_000038.6 (MANE Select); 11 bases into the intron before coding-DNA position 1313, T replaced by C.
Molecular consequence: intron variant.
Genome position (GRCh38, 1-based): chr5:112,821,885, T>C. VCF-style: chr5-112821885-T-C. GRCh37 (hg19) VCF-style: chr5-112157582-T-C.
Other names: c.464-11T>C (NM_001407470.1, NM_001354906.2); c.161-11T>C (NM_001407472.1, NM_001407471.1); c.1313-11T>C (NM_001407447.1, NM_001354895.2, NM_001407448.1 and 4 more transcripts); c.1010-11T>C (NM_001407456.1, NM_001407460.1, NM_001407457.1 and 5 more transcripts); c.1229-11T>C (NM_001407452.1, NM_001354899.2); c.926-11T>C (NM_001407469.1, NM_001407467.1); c.1343-11T>C (NM_001407446.1, NM_001354897.2); c.1040-11T>C (NM_001354902.2); and 5 more.
Identifiers: ClinVar variation 3072193 (VCV003072193.1), dbSNP rs2149791679, ClinGen allele CA2825001344.

ClinVar aggregate classification (germline): Likely benign (1 of 4 stars; one submission).

Conditions:
Classic or attenuated familial adenomatous polyposis. Identifiers: MedGen CN372698, MONDO:0021057.

Submission:

All of Us Research Program, National Institutes of Health
Classification: Likely benign for Classic or attenuated familial adenomatous polyposis. Last evaluated: 2023-06-26. Review status: criteria provided, single submitter. Criteria: ACMG Guidelines, 2015. Collection method: clinical testing. Allele origin: germline. Inheritance: Autosomal dominant inheritance. Observed: 1 variant allele, 1 heterozygote.
Comment: This study involves interpretation of variants in research participants for the purpose of population health screening. Participant phenotype was not available at the time of variant classification. Additional details can be found in publication PMID: 35346344, PMCID: PMC8962531